The following is an entry in ClinVar:

NM_004329.3(BMPR1A):c.910C>T (p.Gln304Ter)

Gene: BMPR1A (bone morphogenetic protein receptor type 1A; plus strand). Cytogenetic location: 10q23.2.
Variant type: single nucleotide variant.
Coding change: c.910C>T on transcript NM_004329.3 (MANE Select); coding-DNA position 910, C replaced by T.
Protein change: p.Gln304Ter; replaces glutamine 304 with a stop codon.
Molecular consequence: nonsense.
Genome position (GRCh38, 1-based): chr10:86,919,213, C>T. VCF-style: chr10-86919213-C-T. GRCh37 (hg19) VCF-style: chr10-88678970-C-T.
Other names: short protein forms Q304*.
Identifiers: ClinVar variation 529903 (VCV000529903.8), dbSNP rs1404557708, ClinGen allele CA377460001.

ClinVar aggregate classification (germline): Pathogenic (1 of 4 stars; one submission).

Conditions:
Juvenile polyposis syndrome (JPS). Identifiers: Orphanet 2929, MedGen C0345893, MONDO:0017380, OMIM 174900.

Submission:

Labcorp Genetics (formerly Invitae), Labcorp
Classification: Pathogenic for Juvenile polyposis syndrome. Last evaluated: 2017-10-10. Review status: criteria provided, single submitter. Criteria: Invitae Variant Classification Sherloc (09022015). Collection method: clinical testing. Allele origin: germline.
Comment: For these reasons, this variant has been classified as Pathogenic. Loss-of-function variants in BMPR1A are known to be pathogenic (PMID: 11536076, 12417513). This variant has not been reported in the literature in individuals with BMPR1A-related disease. This sequence change creates a premature translational stop signal (p.Gln304*) in the BMPR1A gene. It is expected to result in an absent or disrupted protein product. This variant is not present in population databases (ExAC no frequency).

Literature cited by the submitters: PubMed 11536076; PubMed 12417513.